The following is an entry in ClinVar:

NM_000334.4(SCN4A):c.4415T>C (p.Leu1472Pro)

Genes: GH-LCR (growth hormone locus control region; plus strand), SCN4A (sodium voltage-gated channel alpha subunit 4; minus strand). Cytogenetic location: 17q23.3.
Variant type: single nucleotide variant.
Coding change: c.4415T>C on transcript NM_000334.4 (MANE Select); coding-DNA position 4415, T replaced by C.
Protein change: p.Leu1472Pro; replaces leucine 1472 with proline.
Molecular consequence: missense variant.
Genome position (GRCh38, 1-based): chr17:63,941,867, A>G on the plus strand (T>C on the coding strand, the complement: SCN4A is on the minus strand). VCF-style: chr17-63941867-A-G. GRCh37 (hg19) VCF-style: chr17-62019227-A-G.
Other names: short protein forms L1472P.
Identifiers: ClinVar variation 377232 (VCV000377232.15), dbSNP rs1057520169, ClinGen allele CA16603311.
Genomic context (GRCh38, chr17:63,941,867, plus strand): 5'-ACCAGGAAGAGGAGGAGGCCGATGTTGAAGAGGGCAGGCAGCGACATCATGAGGGCGAAC[A>G]GCAGCGTCCGGATGCCCTTGGCCCCGCGGATCAGCCGCAGGACACGCCCAATCCGCGCCA-3'
Protein context (NP_000325.4, residues 1462-1482): IRGAKGIRTL[Leu1472Pro]FALMMSLPAL

ClinVar aggregate classification (germline): Uncertain significance. Review status: criteria provided, multiple submitters, no conflicts (2 of 4 stars). 3 submissions from 3 submitters: Uncertain significance (3). Last evaluated 2020-08-25.

Conditions:
Hyperkalemic periodic paralysis. Also called: Familial hyperkalemic periodic paralysis; Gamstorp disease. Identifiers: Orphanet 682, MedGen C0238357, MONDO:0008224, OMIM 170500, HP:0007215.

Allele frequency attached by ClinVar (database versions not stated): gnomAD exomes below 0.00001; TOPMed 0.00001.
gnomAD v4.1: 6 of 1,614,016 alleles (0.00037%); highest among the groups gnomAD compares: Non-Finnish European, 0.00051%; no homozygotes.

Submissions (3):

Revvity Omics, Revvity
Classification: Uncertain significance. Last evaluated: 2020-08-25. Review status: criteria provided, single submitter. Criteria: ACMG Guidelines, 2015. Collection method: clinical testing. Allele origin: germline.

Labcorp Genetics (formerly Invitae), Labcorp
Classification: Uncertain significance for Hyperkalemic periodic paralysis. Last evaluated: 2020-08-20. Review status: criteria provided, single submitter. Criteria: Invitae Variant Classification Sherloc (09022015). Collection method: clinical testing. Allele origin: germline.
Comment: This variant is not present in population databases (ExAC no frequency). In summary, the available evidence is currently insufficient to determine the role of this variant in disease. Therefore, it has been classified as a Variant of Uncertain Significance. Algorithms developed to predict the effect of missense changes on protein structure and function (SIFT, PolyPhen-2, Align-GVGD) all suggest that this variant is likely to be disruptive, but these predictions have not been confirmed by published functional studies and their clinical significance is uncertain. This variant has not been reported in the literature in individuals with SCN4A-related conditions. ClinVar contains an entry for this variant (Variation ID: 377232). This sequence change replaces leucine with proline at codon 1472 of the SCN4A protein (p.Leu1472Pro). The leucine residue is highly conserved and there is a moderate physicochemical difference between leucine and proline.

Center for Pediatric Genomic Medicine, Children's Mercy Hospital and Clinics
Classification: Uncertain significance. Last evaluated: 2016-09-08. Review status: criteria provided, single submitter. Criteria: ACMG Guidelines, 2015. Collection method: clinical testing. Allele origin: germline.
ClinVar note: Converted during submission from Uncertain Significance to Uncertain significance.